The following is an entry in ClinVar:

ClinVar aggregate classification (germline): Uncertain significance (1 of 4 stars; one submission).

Conditions:
Progressive sclerosing poliodystrophy (MTDPS4A). Also called: ALPERS PROGRESSIVE INFANTILE POLIODYSTROPHY; NEURONAL DEGENERATION OF CHILDHOOD WITH LIVER DISEASE, PROGRESSIVE; Alpers Syndrome; ALPERS DIFFUSE DEGENERATION OF CEREBRAL GRAY MATTER WITH HEPATIC CIRRHOSIS; Alpers-Huttenlocher Syndrome; Mitochondrial DNA depletion syndrome 4A (Alpers type). Identifiers: Orphanet 726, MedGen C0205710, MONDO:0008758, OMIM 203700.

gnomAD v4.1: 2 of 1,546,072 alleles (0.00013%); highest among the groups gnomAD compares: Non-Finnish European, 0.00017%; no homozygotes.

Submission:

Labcorp Genetics (formerly Invitae), Labcorp
Classification: Uncertain significance for Progressive sclerosing poliodystrophy. Last evaluated: 2024-05-17. Review status: criteria provided, single submitter. Criteria: Invitae Variant Classification Sherloc (09022015). Collection method: clinical testing. Allele origin: germline.
Comment: This sequence change replaces tryptophan, which is neutral and slightly polar, with arginine, which is basic and polar, at codon 25 of the POLG protein (p.Trp25Arg). This variant is not present in population databases (gnomAD no frequency). This variant has not been reported in the literature in individuals affected with POLG-related conditions. Algorithms developed to predict the effect of missense changes on protein structure and function output the following: SIFT: "Not Available"; PolyPhen-2: "Benign"; Align-GVGD: "Not Available". The arginine amino acid residue is found in multiple mammalian species, which suggests that this missense change does not adversely affect protein function. In summary, the available evidence is currently insufficient to determine the role of this variant in disease. Therefore, it has been classified as a Variant of Uncertain Significance.

NM_002693.3(POLG):c.73T>C (p.Trp25Arg)

Genes: POLG (DNA polymerase gamma, catalytic subunit; minus strand), POLGARF (POLG alternative reading frame; minus strand). Cytogenetic location: 15q26.1.
Variant type: single nucleotide variant.
Coding change: c.73T>C on transcript NM_002693.3 (MANE Select); coding-DNA position 73, T replaced by C.
Protein change: p.Trp25Arg; replaces tryptophan 25 with arginine.
Molecular consequence: missense variant.
Genome position (GRCh38, 1-based): chr15:89,333,682, A>G on the plus strand (T>C on the coding strand, the complement: POLG is on the minus strand). VCF-style: chr15-89333682-A-G. GRCh37 (hg19) VCF-style: chr15-89876913-A-G.
Other names: c.128T>C, p.Leu43Pro (NM_001430120.1); c.73T>C, p.Trp25Arg (NM_001126131.2); short protein forms L43P, W25R.
Identifiers: ClinVar variation 3687580 (VCV003687580.2).